The following is an entry in ClinVar:

ClinVar aggregate classification (germline): Uncertain significance. Review status: criteria provided, multiple submitters, no conflicts (2 of 4 stars). 3 submissions from 3 submitters: Uncertain significance (2). 1 of the submissions does not count toward it. Last evaluated 2023-10-09.

Conditions:
WDPCP-related disorder. Also called: WDPCP-related condition.
Heart defect - tongue hamartoma - polysyndactyly syndrome. Also called: Congenital heart defects, hamartomas of tongue, and polysyndactyly. Identifiers: Orphanet 1338, MedGen C1857587, MONDO:0009008, OMIM 217085.
Bardet-Biedl syndrome 15 (BBS15). Identifiers: Orphanet 110, MedGen C3150127, MONDO:0014443, OMIM 615992.
Bardet-Biedl syndrome (BBS). Identifiers: Orphanet 110, MedGen C0752166, MONDO:0015229.

Allele frequency attached by ClinVar (database versions not stated): ExAC 0.00002; gnomAD exomes 0.00002; gnomAD 0.00003 and 0.00004; TOPMed 0.00003.

Submissions (3):

Labcorp Genetics (formerly Invitae), Labcorp
Classification: Uncertain significance for Bardet-Biedl syndrome. Last evaluated: 2023-10-09. Review status: criteria provided, single submitter. Criteria: Invitae Variant Classification Sherloc (09022015). Collection method: clinical testing. Allele origin: germline.
Comment: This sequence change replaces arginine, which is basic and polar, with cysteine, which is neutral and slightly polar, at codon 96 of the WDPCP protein (p.Arg96Cys). This variant is present in population databases (rs375338402, gnomAD 0.01%). This variant has not been reported in the literature in individuals affected with WDPCP-related conditions. ClinVar contains an entry for this variant (Variation ID: 1027217). Advanced modeling of protein sequence and biophysical properties (such as structural, functional, and spatial information, amino acid conservation, physicochemical variation, residue mobility, and thermodynamic stability) performed at Invitae indicates that this missense variant is expected to disrupt WDPCP protein function. In summary, the available evidence is currently insufficient to determine the role of this variant in disease. Therefore, it has been classified as a Variant of Uncertain Significance.

Fulgent Genetics
Classification: Uncertain significance for Heart defect - tongue hamartoma - polysyndactyly syndrome; Bardet-Biedl syndrome 15. Last evaluated: 2021-09-22. Review status: criteria provided, single submitter. Criteria: ACMG Guidelines, 2015. Collection method: clinical testing. Allele origin: unknown.

PreventionGenetics, part of Exact Sciences
Classification: Uncertain significance for WDPCP-related condition. Last evaluated: 2024-09-24. Review status: no assertion criteria provided. Collection method: clinical testing. Allele origin: germline. Not counted in ClinVar's aggregate classification.
Comment: The WDPCP c.286C>T variant is predicted to result in the amino acid substitution p.Arg96Cys. To our knowledge, this variant has not been reported in the literature. This variant is reported in 0.012% of alleles in individuals of Latino descent in gnomAD. At this time, the clinical significance of this variant is uncertain due to the absence of conclusive functional and genetic evidence.

NM_015910.7(WDPCP):c.286C>T (p.Arg96Cys)

Gene: WDPCP (WD repeat containing planar cell polarity effector; minus strand). Cytogenetic location: 2p15.
Variant type: single nucleotide variant.
Coding change: c.286C>T on transcript NM_015910.7 (MANE Select); coding-DNA position 286, C replaced by T.
Protein change: p.Arg96Cys; replaces arginine 96 with cysteine.
Molecular consequence: missense variant. On other transcripts: non-coding transcript variant (2).
Genome position (GRCh38, 1-based): chr2:63,484,955, G>A on the plus strand (C>T on the coding strand, the complement: WDPCP is on the minus strand). VCF-style: chr2-63484955-G-A. GRCh37 (hg19) VCF-style: chr2-63712089-G-A.
Other names: c.214C>T, p.Arg72Cys (NM_001354044.2); c.286C>T, p.Arg96Cys (NM_001354045.2); c.286C>T (NM_015910.5); short protein forms R72C, R96C.
Identifiers: ClinVar variation 1027217 (VCV001027217.9), dbSNP rs375338402, ClinGen allele CA1682537.